The following is an entry in ClinVar:

ClinVar aggregate classification (germline): Uncertain significance. Review status: criteria provided, multiple submitters, no conflicts (2 of 4 stars). 2 submissions from 2 submitters: Uncertain significance (2). Last evaluated 2026-08-23.

Conditions:
Hereditary cancer-predisposing syndrome. Also called: Hereditary Cancer Syndrome; Neoplastic Syndromes, Hereditary; Hereditary neoplastic syndrome; Tumor predisposition. Identifiers: Orphanet 140162, MedGen C0027672, MeSH D009386, MONDO:0015356.
Multiple endocrine neoplasia, type 2 (MEN2). Identifiers: Orphanet 653, MedGen C4048306, MONDO:0019003. Disease mechanism: gain of function.

Submissions (2):

Ambry Genetics
Classification: Uncertain significance for Hereditary cancer-predisposing syndrome. Last evaluated: 2026-08-23. Review status: criteria provided, single submitter. Criteria: Ambry Variant Classification Scheme 2023. Collection method: clinical testing. Allele origin: germline.
Comment: The p.T456S variant (also known as c.1367C>G), located in coding exon 7 of the RET gene, results from a C to G substitution at nucleotide position 1367. The threonine at codon 456 is replaced by serine, an amino acid with similar properties. This amino acid position is conserved. In addition, this alteration is predicted to be tolerated by in silico analysis. Based on the available evidence, the clinical significance of this variant remains unclear.

Labcorp Genetics (formerly Invitae), Labcorp
Classification: Uncertain significance for Multiple endocrine neoplasia, type 2. Last evaluated: 2022-02-17. Review status: criteria provided, single submitter. Criteria: Invitae Variant Classification Sherloc (09022015). Collection method: clinical testing. Allele origin: germline.
Comment: This sequence change replaces threonine, which is neutral and polar, with serine, which is neutral and polar, at codon 456 of the RET protein (p.Thr456Ser). This variant is not present in population databases (gnomAD no frequency). This variant has not been reported in the literature in individuals affected with RET-related conditions. Algorithms developed to predict the effect of missense changes on protein structure and function output the following: SIFT: "Tolerated"; PolyPhen-2: "Benign"; Align-GVGD: "Class C0". The serine amino acid residue is found in multiple mammalian species, which suggests that this missense change does not adversely affect protein function. Algorithms developed to predict the effect of sequence changes on RNA splicing suggest that this variant is not likely to affect RNA splicing. In summary, the available evidence is currently insufficient to determine the role of this variant in disease. Therefore, it has been classified as a Variant of Uncertain Significance.

NM_020975.6(RET):c.1367C>G (p.Thr456Ser)

Gene: RET (ret proto-oncogene; plus strand). Cytogenetic location: 10q11.21.
Variant type: single nucleotide variant.
Coding change: c.1367C>G on transcript NM_020975.6 (MANE Select); coding-DNA position 1367, C replaced by G.
Protein change: p.Thr456Ser; replaces threonine 456 with serine.
Molecular consequence: missense variant.
Genome position (GRCh38, 1-based): chr10:43,111,310, C>G. VCF-style: chr10-43111310-C-G. GRCh37 (hg19) VCF-style: chr10-43606758-C-G.
Other names: c.1367C>G, p.Thr456Ser (NM_000323.2, NM_001406743.1, NM_001406744.1 and 6 more transcripts); c.605C>G, p.Thr202Ser (NM_001355216.2); c.971C>G, p.Thr324Ser (NM_001406769.1, NM_001406772.1); c.1079C>G, p.Thr360Ser (NM_001406770.1, NM_001406766.1, NM_001406767.1); c.929C>G, p.Thr310Ser (NM_001406771.1, NM_001406773.1); c.842C>G, p.Thr281Ser (NM_001406774.1); c.641C>G, p.Thr214Ser (NM_001406775.1, NM_001406776.1, NM_001406777.1 and 1 more transcripts); c.377C>G, p.Thr126Ser (NM_001406784.1); and 1 more; short protein forms T456S, T202S, T126S, T214S, T413S, T281S, T310S, T324S.
Identifiers: ClinVar variation 1371570 (VCV001371570.7), dbSNP rs1286634866, ClinGen allele CA376549247.